The following is an entry in ClinVar:

ClinVar aggregate classification (germline): Uncertain significance. Review status: criteria provided, multiple submitters, no conflicts (2 of 4 stars). 3 submissions from 3 submitters: Uncertain significance (3). Last evaluated 2023-11-13.

Conditions:
HMGCS2-related disorder. Also called: HMGCS2-related condition.
Inborn genetic diseases. Identifiers: MedGen C0950123, MeSH D030342.
3-hydroxy-3-methylglutaryl-CoA synthase deficiency (HMGCS2D). Also called: HMGCS2 DEFICIENCY; MITOCHONDRIAL HMG-CoA SYNTHASE DEFICIENCY; HMG-CoA synthase-2 deficiency. Identifiers: Orphanet 35701, MedGen C2751532, MONDO:0011614, OMIM 605911.

Allele frequency attached by ClinVar (database versions not stated): gnomAD exomes 0.00006 and 0.00012; ExAC 0.00011; TOPMed 0.00012; gnomAD 0.00018 and 0.00020.
gnomAD v4.1: 119 of 1,614,080 alleles (0.0074%); highest among the groups gnomAD compares: Admixed American, 0.023%; 1 homozygote.

Submissions (3):

Ambry Genetics
Classification: Uncertain significance for Inborn genetic diseases. Last evaluated: 2023-11-13. Review status: criteria provided, single submitter. Criteria: Ambry Variant Classification Scheme 2023. Collection method: clinical testing. Allele origin: germline.

PreventionGenetics, part of Exact Sciences
Classification: Uncertain significance for HMGCS2-related condition. Last evaluated: 2023-06-20. Review status: criteria provided, single submitter. Criteria: ACMG Guidelines, 2015. Collection method: clinical testing. Allele origin: germline.
Comment: The HMGCS2 c.953A>G variant is predicted to result in the amino acid substitution p.Asn318Ser. To our knowledge, this variant has not been reported in the literature. This variant is reported in 0.088% of alleles in individuals of European (Finnish) descent in gnomAD. At this time, the clinical significance of this variant is uncertain due to the absence of conclusive functional and genetic evidence.

Labcorp Genetics (formerly Invitae), Labcorp
Classification: Uncertain significance for 3-hydroxy-3-methylglutaryl-CoA synthase deficiency. Last evaluated: 2022-10-03. Review status: criteria provided, single submitter. Criteria: Invitae Variant Classification Sherloc (09022015). Collection method: clinical testing. Allele origin: germline.
Comment: This sequence change replaces asparagine, which is neutral and polar, with serine, which is neutral and polar, at codon 318 of the HMGCS2 protein (p.Asn318Ser). This variant is present in population databases (rs766507770, gnomAD 0.09%). This variant has not been reported in the literature in individuals affected with HMGCS2-related conditions. ClinVar contains an entry for this variant (Variation ID: 1053702). Advanced modeling of protein sequence and biophysical properties (such as structural, functional, and spatial information, amino acid conservation, physicochemical variation, residue mobility, and thermodynamic stability) performed at Invitae indicates that this missense variant is not expected to disrupt HMGCS2 protein function. Algorithms developed to predict the effect of sequence changes on RNA splicing suggest that this variant may create or strengthen a splice site. In summary, the available evidence is currently insufficient to determine the role of this variant in disease. Therefore, it has been classified as a Variant of Uncertain Significance.

NM_005518.4(HMGCS2):c.953A>G (p.Asn318Ser)

Gene: HMGCS2 (3-hydroxy-3-methylglutaryl-CoA synthase 2; minus strand). Cytogenetic location: 1p12.
Variant type: single nucleotide variant.
Coding change: c.953A>G on transcript NM_005518.4 (MANE Select); coding-DNA position 953, A replaced by G.
Protein change: p.Asn318Ser; replaces asparagine 318 with serine.
Molecular consequence: missense variant.
Genome position (GRCh38, 1-based): chr1:119,757,336, T>C on the plus strand (A>G on the coding strand, the complement: HMGCS2 is on the minus strand). VCF-style: chr1-119757336-T-C. GRCh37 (hg19) VCF-style: chr1-120299959-T-C.
Other names: c.827A>G, p.Asn276Ser (NM_001166107.1); c.953A>G (NM_005518.3); short protein forms N276S, N318S.
Identifiers: ClinVar variation 1053702 (VCV001053702.7), dbSNP rs766507770, ClinGen allele CA1037724.
Genomic context (GRCh38, chr1:119,757,336, plus strand): 5'-AAAGCCTCCAGCCCCTTATATAAGCTGGTTTGTGTGTCACTGCTGGCTGACAGGAAGTCA[T>C]TGAACATCAGGCGAGCCAGAGACTTCTGGACCATCTTGCAAAAGGGTGTATGAAAGATCA-3'
Protein context (NP_005509.1, residues 308-328): VQKSLARLMF[Asn318Ser]DFLSASSDTQ